The following is an entry in ClinVar:

ClinVar aggregate classification (germline): Pathogenic (1 of 4 stars; one submission).

Conditions:
Charcot-Marie-Tooth disease type 4. Also called: Charcot-Marie-Tooth, Type 4; Charcot-Marie-Tooth disease, type IV. Identifiers: Orphanet 64749, MedGen C4082197, MONDO:0018995.

Submission:

Labcorp Genetics (formerly Invitae), Labcorp
Classification: Pathogenic for Charcot-Marie-Tooth disease type 4. Last evaluated: 2022-07-01. Review status: criteria provided, single submitter. Criteria: Invitae Variant Classification Sherloc (09022015). Collection method: clinical testing. Allele origin: germline.
Comment: This sequence change creates a premature translational stop signal (p.Ala1113Leufs*9) in the SBF2 gene. It is expected to result in an absent or disrupted protein product. Loss-of-function variants in SBF2 are known to be pathogenic (PMID: 12687498, 25873783). This variant is not present in population databases (gnomAD no frequency). This variant has not been reported in the literature in individuals affected with SBF2-related conditions. For these reasons, this variant has been classified as Pathogenic.

Literature cited by the submitters: PubMed 12687498; PubMed 25873783.

NM_030962.4(SBF2):c.3336del (p.Ala1113fs)

Genes: SBF2 (SET binding factor 2; minus strand), LOC101928008 (uncharacterized LOC101928008; plus strand). Cytogenetic location: 11p15.4.
Variant type: Deletion.
Coding change: c.3336del on transcript NM_030962.4 (MANE Select); coding-DNA position 3336, one base deleted (A; older notation c.3336delA).
Protein change: p.Ala1113fs; shifts the reading frame from alanine 1113.
Molecular consequence: frameshift variant.
Genome position (GRCh38, 1-based): chr11:9,839,617, T deleted on the plus strand (A on the coding strand, the reverse complement: SBF2 is on the minus strand); the first of 5 consecutive T bases (chr11:9,839,617-9,839,621); deleting any one gives the same sequence. VCF-style (leftmost placement, unchanged base first): chr11-9839616-CT-C. GRCh37 (hg19) VCF-style: chr11-9861163-CT-C.
Other names: c.3336del, p.Ala1113fs (NM_001386339.1); c.3207del, p.Ala1070fs (NM_001386342.1); short protein forms A1113fs, A1070fs.
Identifiers: ClinVar variation 2004146 (VCV002004146.4), dbSNP rs2494735922, ClinGen allele CA2580085034.